The following is an entry in ClinVar:

NM_000256.3(MYBPC3):c.3790T>C (p.Cys1264Arg)

Gene: MYBPC3 (myosin binding protein C3; minus strand). Cytogenetic location: 11p11.2.
Variant type: single nucleotide variant.
Coding change: c.3790T>C on transcript NM_000256.3 (MANE Select); coding-DNA position 3790, T replaced by C.
Protein change: p.Cys1264Arg; replaces cysteine 1264 with arginine.
Molecular consequence: missense variant.
Genome position (GRCh38, 1-based): chr11:47,332,096, A>G on the plus strand (T>C on the coding strand, the complement: MYBPC3 is on the minus strand). VCF-style: chr11-47332096-A-G. GRCh37 (hg19) VCF-style: chr11-47353647-A-G.
Other names: short protein forms C1264R.
Identifiers: ClinVar variation 1332012 (VCV001332012.5), dbSNP rs2142849221, ClinGen allele CA380310502.

ClinVar aggregate classification (germline): Uncertain significance. Review status: criteria provided, multiple submitters, no conflicts (2 of 4 stars). 2 submissions from 2 submitters: Uncertain significance (2). Last evaluated 2024-03-06.

Conditions:
Cardiomyopathy (CMYO). Also called: Cardiomyopathies. Identifiers: Orphanet 167848, MedGen C0878544, MONDO:0004994, HP:0001638. Inheritance: Various modes of inheritance.

Allele frequency attached by ClinVar (database versions not stated): gnomAD exomes below 0.00001.
gnomAD v4.1: 1 of 1,612,062 alleles (0.000062%); highest among the groups gnomAD compares: Non-Finnish European, 0.000085%; no homozygotes.

Submissions (2):

Color Diagnostics, LLC DBA Color Health
Classification: Uncertain significance for Cardiomyopathy. Last evaluated: 2024-03-06. Review status: criteria provided, single submitter. Criteria: ACMG Guidelines, 2015. Collection method: clinical testing. Allele origin: germline.
Comment: This missense variant replaces cysteine with arginine at codon 1264 of the MYBPC3 protein. Computational prediction suggests that this variant may not impact protein structure and function (internally defined REVEL score threshold <= 0.5, PMID: 27666373). To our knowledge, functional studies have not been reported for this variant. This variant has not been reported in individuals affected with cardiovascular disorders in the literature. This variant has not been identified in the general population by the Genome Aggregation Database (gnomAD). The available evidence is insufficient to determine the role of this variant in disease conclusively. Therefore, this variant is classified as a Variant of Uncertain Significance.

CHEO Genetics Diagnostic Laboratory, Children's Hospital of Eastern Ontario
Classification: Uncertain significance for Cardiomyopathy. Last evaluated: 2021-08-17. Review status: criteria provided, single submitter. Criteria: ACMG Guidelines, 2015. Collection method: clinical testing. Allele origin: germline.